The following is an entry in ClinVar:

ClinVar aggregate classification (germline): Uncertain significance. Review status: criteria provided, multiple submitters, no conflicts (2 of 4 stars). 2 submissions from 2 submitters: Uncertain significance (2). Last evaluated 2024-03-26.

Conditions:
Nephrolithiasis/nephrocalcinosis. Identifiers: MedGen CN580796.
Familial hypocalciuric hypercalcemia (FHH). Also called: Familial benign hypercalcemia. Identifiers: Orphanet 405, MedGen C1809471, MONDO:0018458.
Autosomal dominant hypocalcemia 1 (HYPOC1). Also called: HYPOCALCEMIA, FAMILIAL. Identifiers: MedGen C3715128, MONDO:0011013, OMIM 601198.

Allele frequency attached by ClinVar (database versions not stated): TOPMed below 0.00001; ExAC 0.00001; ESP Exome Variant Server 0.00008.

Submissions (2):

Ambry Genetics
Classification: Uncertain significance for Nephrolithiasis/nephrocalcinosis. Last evaluated: 2024-03-26. Review status: criteria provided, single submitter. Criteria: Ambry Variant Classification Scheme 2023. Collection method: clinical testing. Allele origin: germline.
Comment: The p.T764M variant (also known as c.2291C>T), located in coding exon 6 of the CASR gene, results from a C to T substitution at nucleotide position 2291. The threonine at codon 764 is replaced by methionine, an amino acid with similar properties. This amino acid position is highly conserved in available vertebrate species. In addition, this alteration is predicted to be deleterious by in silico analysis. Based on the available evidence, the clinical significance of this alteration remains unclear.

Labcorp Genetics (formerly Invitae), Labcorp
Classification: Uncertain significance for Familial hypocalciuric hypercalcemia; Autosomal dominant hypocalcemia 1. Last evaluated: 2023-09-26. Review status: criteria provided, single submitter. Criteria: Invitae Variant Classification Sherloc (09022015). Collection method: clinical testing. Allele origin: germline.
Comment: This sequence change replaces threonine, which is neutral and polar, with methionine, which is neutral and non-polar, at codon 764 of the CASR protein (p.Thr764Met). This variant is present in population databases (rs145209598, gnomAD 0.0009%). This variant has not been reported in the literature in individuals affected with CASR-related conditions. An algorithm developed to predict the effect of missense changes on protein structure and function (PolyPhen-2) suggests that this variant is likely to be disruptive. In summary, the available evidence is currently insufficient to determine the role of this variant in disease. Therefore, it has been classified as a Variant of Uncertain Significance.

NM_000388.4(CASR):c.2291C>T (p.Thr764Met)

Gene: CASR (calcium sensing receptor; plus strand). Cytogenetic location: 3q21.1.
Variant type: single nucleotide variant.
Coding change: c.2291C>T on transcript NM_000388.4 (MANE Select); coding-DNA position 2291, C replaced by T.
Protein change: p.Thr764Met; replaces threonine 764 with methionine.
Molecular consequence: missense variant.
Genome position (GRCh38, 1-based): chr3:122,284,245, C>T. VCF-style: chr3-122284245-C-T. GRCh37 (hg19) VCF-style: chr3-122003092-C-T.
Other names: c.2291C>T (NM_000388.3); c.2321C>T, p.Thr774Met (NM_001178065.2); short protein forms T764M, T774M.
Identifiers: ClinVar variation 2936303 (VCV002936303.4), dbSNP rs145209598, ClinGen allele CA2569808.